The following is an entry in ClinVar:

NM_000143.4(FH):c.133G>T (p.Ala45Ser)

Gene: FH (fumarate hydratase; minus strand). Cytogenetic location: 1q43.
Variant type: single nucleotide variant.
Coding change: c.133G>T on transcript NM_000143.4 (MANE Select); coding-DNA position 133, G replaced by T.
Protein change: p.Ala45Ser; replaces alanine 45 with serine.
Molecular consequence: missense variant.
Genome position (GRCh38, 1-based): chr1:241,517,316, C>A on the plus strand (G>T on the coding strand, the complement: FH is on the minus strand). VCF-style: chr1-241517316-C-A. GRCh37 (hg19) VCF-style: chr1-241680616-C-A.
Other names: short protein forms A45S.
Identifiers: ClinVar variation 818892 (VCV000818892.16), dbSNP rs1260007300, ClinGen allele CA345442071.
Genomic context (GRCh38, chr1:241,517,316, plus strand): 5'-CATTTGGCACCTTTAGTTCACCAAAGGTATCATATTCTATCCGGAAGGAATTTTGGCTTG[C>A]CTAAAGACAAGAATACAACACTATTACAAGTTGAAAAGAAACCCAGGATCAAAAGTAATC-3'
Protein context (NP_000134.2, residues 35-55): SFWPPNAARM[Ala45Ser]SQNSFRIEYD

ClinVar aggregate classification (germline): Uncertain significance. Review status: criteria provided, multiple submitters, no conflicts (2 of 4 stars). 3 submissions from 3 submitters: Uncertain significance (3). Last evaluated 2026-09-08.

Conditions:
Hereditary cancer-predisposing syndrome. Also called: Tumor predisposition; Hereditary Cancer Syndrome; Neoplastic Syndromes, Hereditary; Hereditary neoplastic syndrome. Identifiers: Orphanet 140162, MedGen C0027672, MeSH D009386, MONDO:0015356.
Hereditary leiomyomatosis and renal cell cancer. Also called: MULTIPLE CUTANEOUS AND UTERINE LEIOMYOMATA 1, WITH OR WITHOUT RENAL CELL CARCINOMA; Reed syndrome; Multiple cutaneous and uterine leiomyomatosis; Cutaneous leiomyomata with uterine leiomyomata; Leiomyoma, hereditary multiple, of skin; Multiple cutaneous and uterine leiomyomata. Identifiers: Orphanet 523, MedGen C1708350, MONDO:0007888, OMIM 150800, HP:0007437. Disease mechanism: loss of function.
Fumarase deficiency (FMRD). Also called: Fumaric aciduria; Fumarate Hydratase Deficiency. Identifiers: Orphanet 24, MedGen C0342770, MONDO:0011730, OMIM 606812.

Allele frequency attached by ClinVar (database versions not stated): gnomAD exomes below 0.00001.

Submissions (3):

Ambry Genetics
Classification: Uncertain significance for Hereditary cancer-predisposing syndrome. Last evaluated: 2026-09-08. Review status: criteria provided, single submitter. Criteria: Ambry Variant Classification Scheme 2023. Collection method: clinical testing. Allele origin: germline.
Comment: The p.A45S variant (also known as c.133G>T), located in coding exon 2 of the FH gene, results from a G to T substitution at nucleotide position 133. This variant impacts the first base pair of coding exon 2. The alanine at codon 45 is replaced by serine, an amino acid with similar properties. This nucleotide position is well conserved in available vertebrate species. This amino acid position is well conserved in available vertebrate species. In silico splice site analysis predicts that this alteration will not have any significant effect on splicing. RNA studies have demonstrated that this variant results in an incomplete splice defect; the clinical impact of this abnormal splicing is unknown at this time (Ambry internal data). In addition, as a missense, the in silico prediction for this alteration is inconclusive. Based on the available evidence, the clinical significance of this variant remains unclear.

Labcorp Genetics (formerly Invitae), Labcorp
Classification: Uncertain significance. Last evaluated: 2025-10-23. Review status: criteria provided, single submitter. Criteria: Invitae Variant Classification Sherloc (09022015). Collection method: clinical testing. Allele origin: germline.
Comment: This sequence change replaces alanine, which is neutral and non-polar, with serine, which is neutral and polar, at codon 45 of the FH protein (p.Ala45Ser). This variant is present in population databases (no rsID available, gnomAD no frequency). This variant has not been reported in the literature in individuals affected with FH-related conditions. ClinVar contains an entry for this variant (Variation ID: 818892). An algorithm developed to predict the effect of missense changes on protein structure and function (PolyPhen-2) suggests that this variant is likely to be tolerated. In summary, the available evidence is currently insufficient to determine the role of this variant in disease. Therefore, it has been classified as a Variant of Uncertain Significance.

Fulgent Genetics
Classification: Uncertain significance for Hereditary leiomyomatosis and renal cell cancer; Fumarase deficiency. Last evaluated: 2024-04-18. Review status: criteria provided, single submitter. Criteria: ACMG Guidelines, 2015. Collection method: clinical testing. Allele origin: germline.